The following is an entry in ClinVar:

ClinVar aggregate classification (germline): Uncertain significance (1 of 4 stars; one submission).

gnomAD v4.1: 4 of 1,602,926 alleles (0.00025%); highest among the groups gnomAD compares: African/African-American, 0.0013%; no homozygotes.

Submission:

Labcorp Genetics (formerly Invitae), Labcorp
Classification: Uncertain significance. Last evaluated: 2025-11-08. Review status: criteria provided, single submitter. Criteria: Invitae Variant Classification Sherloc (09022015). Collection method: clinical testing. Allele origin: germline.
Comment: This sequence change replaces isoleucine, which is neutral and non-polar, with valine, which is neutral and non-polar, at codon 426 of the SRP72 protein (p.Ile426Val). This variant is not present in population databases (gnomAD no frequency). This variant has not been reported in the literature in individuals affected with SRP72-related conditions. Invitae Evidence Modeling of protein sequence and biophysical properties (such as structural, functional, and spatial information, amino acid conservation, physicochemical variation, residue mobility, and thermodynamic stability) indicates that this missense variant is not expected to disrupt SRP72 protein function with a negative predictive value of 80%. In summary, the available evidence is currently insufficient to determine the role of this variant in disease. Therefore, it has been classified as a Variant of Uncertain Significance.

NM_006947.4(SRP72):c.1276A>G (p.Ile426Val)

Gene: SRP72 (signal recognition particle 72; plus strand). Cytogenetic location: 4q12.
Variant type: single nucleotide variant.
Coding change: c.1276A>G on transcript NM_006947.4 (MANE Select); coding-DNA position 1276, A replaced by G.
Protein change: p.Ile426Val; replaces isoleucine 426 with valine.
Molecular consequence: missense variant. On other transcripts: non-coding transcript variant (1).
Genome position (GRCh38, 1-based): chr4:56,489,439, A>G. VCF-style: chr4-56489439-A-G. GRCh37 (hg19) VCF-style: chr4-57355605-A-G.
Other names: c.1093A>G, p.Ile365Val (NM_001267722.2); short protein forms I365V, I426V.
Identifiers: ClinVar variation 4777333 (VCV004777333.1).
Genomic context (GRCh38, chr4:56,489,439, plus strand): 5'-GCTGTGTAGGTATCTGCATTAGTTACCATGTATAGCCATGAAGAAGATATTGATAGTGCC[A>G]TTGAGGTCTTCACACAAGCTATCCAGTGGTATCAAAACCATCAGGTAAATAAATGGAGTA-3'
Protein context (NP_008878.3, residues 416-436): YSHEEDIDSA[Ile426Val]EVFTQAIQWY